The following is an entry in ClinVar:

NM_000038.6(APC):c.6114G>C (p.Leu2038=)

Gene: APC (APC regulator of Wnt signaling pathway; plus strand). Cytogenetic location: 5q22.2.
Variant type: single nucleotide variant.
Coding change: c.6114G>C on transcript NM_000038.6 (MANE Select); coding-DNA position 6114, G replaced by C.
Protein change: p.Leu2038=; no amino-acid change (leucine 2038 retained).
Molecular consequence: synonymous variant.
Genome position (GRCh38, 1-based): chr5:112,841,708, G>C. VCF-style: chr5-112841708-G-C. GRCh37 (hg19) VCF-style: chr5-112177405-G-C.
Other names: c.6114G>C (NM_000038.5); c.6114G>C, p.Leu2038= (NM_001127510.3, NM_001354895.2); c.6060G>C, p.Leu2020= (NM_001127511.3); c.6168G>C, p.Leu2056= (NM_001354896.2); c.6144G>C, p.Leu2048= (NM_001354897.2); c.6039G>C, p.Leu2013= (NM_001354898.2); c.6030G>C, p.Leu2010= (NM_001354899.2); c.5991G>C, p.Leu1997= (NM_001354900.2); and 6 more.
Identifiers: ClinVar variation 1091857 (VCV001091857.12), dbSNP rs1580667688, ClinGen allele CA446209036.
Genomic context (GRCh38, chr5:112,841,708, plus strand): 5'-AGTTTGTTTCTCAAGAAACAGTTCTCTCAGTTCTCTTAGTATTGACTCTGAAGATGACCT[G>C]TTGCAGGAATGTATAAGCTCCGCAATGCCAAAAAAGAAAAAGCCTTCAAGACTCAAGGGT-3'
Protein context (NP_000029.2, residues 2028-2048): SSLSIDSEDD[Leu2038=]LQECISSAMP

ClinVar aggregate classification (germline): Benign/Likely benign. Review status: criteria provided, multiple submitters, no conflicts (2 of 4 stars). 3 submissions from 3 submitters: Benign (1); Likely benign (2). Last evaluated 2024-05-17.

Conditions:
Hereditary cancer-predisposing syndrome. Also called: Hereditary Cancer Syndrome; Neoplastic Syndromes, Hereditary; Hereditary neoplastic syndrome; Tumor predisposition. Identifiers: Orphanet 140162, MedGen C0027672, MeSH D009386, MONDO:0015356.
Familial adenomatous polyposis 1 (FAP1). Also called: FAMILIAL ADENOMATOUS POLYPOSIS 1, ATTENUATED; POLYPOSIS, ADENOMATOUS INTESTINAL. Identifiers: MedGen C2713442, MONDO:0021056, OMIM 175100. Disease mechanism: loss of function.

Allele frequency attached by ClinVar (database versions not stated): gnomAD 0.00001; TOPMed 0.00001.
gnomAD v4.1: 1 of 1,613,698 alleles (0.000062%); highest among the groups gnomAD compares: African/African-American, 0.0013%; no homozygotes.

Submissions (3):

Ambry Genetics
Classification: Likely benign for Hereditary cancer-predisposing syndrome. Last evaluated: 2024-05-17. Review status: criteria provided, single submitter. Criteria: Ambry Variant Classification Scheme 2023. Collection method: clinical testing. Allele origin: germline.

Myriad Genetics, Inc.
Classification: Benign for Familial adenomatous polyposis 1. Last evaluated: 2024-04-03. Review status: criteria provided, single submitter. Criteria: Myriad Autosomal Dominant, Autosomal Recessive and X-Linked Classification Criteria (2023). Collection method: clinical testing. Allele origin: unknown.
Comment: This variant is considered benign. This variant is a silent/synonymous amino acid change and it is not expected to impact splicing.

Labcorp Genetics (formerly Invitae), Labcorp
Classification: Likely benign for Familial adenomatous polyposis 1. Last evaluated: 2023-11-25. Review status: criteria provided, single submitter. Criteria: Invitae Variant Classification Sherloc (09022015). Collection method: clinical testing. Allele origin: germline.